The following is an entry in ClinVar:

ClinVar aggregate classification (germline): Likely pathogenic (1 of 4 stars; one submission).

Submission:

Mayo Clinic Laboratories, Mayo Clinic
Classification: Likely pathogenic. Last evaluated: 2024-04-02. Review status: criteria provided, single submitter. Criteria: ACMG Guidelines, 2015. Collection method: clinical testing. Allele origin: germline. Observed: 1 variant allele.
Comment: PM2, PVS1

Literature cited by the submitters: PubMed 30535219; PubMed 34495297.

NM_001267550.2(TTN):c.91918_91919del (p.Trp30640fs)

Genes: TTN-AS1 (TTN antisense RNA 1; plus strand), TTN (titin; minus strand). Cytogenetic location: 2q31.2.
Variant type: Microsatellite.
Coding change: c.91918_91919del on transcript NM_001267550.2 (MANE Select); coding-DNA positions 91918 to 91919, 2 bases deleted (TG; older notation c.91918_91919delTG).
Protein change: p.Trp30640fs; shifts the reading frame from tryptophan 30640.
Molecular consequence: frameshift variant.
Genome position (GRCh38, 1-based): chr2:178,549,803-178,549,804, CA deleted on the plus strand (TG on the coding strand, the reverse complement: TTN is on the minus strand); deleting any 2 consecutive bases within chr2:178,549,803-178,549,806 gives the same sequence; the c. name uses the placement nearest the transcript's 3' end. VCF-style (leftmost placement, unchanged base first): chr2-178549802-CCA-C. GRCh37 (hg19) VCF-style: chr2-179414529-CCA-C.
Other names: p.Trp28999Valfs*7; c.86995_86996del, p.Trp28999fs (NM_001256850.1); c.64723_64724del, p.Trp21575fs (NM_003319.4); c.84214_84215del, p.Trp28072fs (NM_133378.4); c.65098_65099del, p.Trp21700fs (NM_133432.3); c.65299_65300del, p.Trp21767fs (NM_133437.4); short protein forms W21575fs, W21700fs, W21767fs, W28072fs, W28999fs, W30640fs.
Identifiers: ClinVar variation 3380955 (VCV003380955.1).